The following is an entry in ClinVar:

ClinVar aggregate classification (germline): Uncertain significance. Review status: criteria provided, multiple submitters, no conflicts (2 of 4 stars). 3 submissions from 3 submitters: Uncertain significance (3). Last evaluated 2024-08-06.

Conditions:
Global developmental delay - lung cysts - overgrowth - Wilms tumor syndrome. Also called: GLOBAL DEVELOPMENTAL DELAY, LUNG CYSTS, OVERGROWTH, AND WILMS TUMOR; GLOW Syndrome. Identifiers: Orphanet 404476, MedGen C4748924, MONDO:0018445, OMIM 618272.
Hereditary cancer-predisposing syndrome. Also called: Neoplastic Syndromes, Hereditary; Tumor predisposition; Hereditary neoplastic syndrome; Hereditary Cancer Syndrome. Identifiers: Orphanet 140162, MedGen C0027672, MeSH D009386, MONDO:0015356.

Submissions (3):

Ambry Genetics
Classification: Uncertain significance for Hereditary cancer-predisposing syndrome. Last evaluated: 2024-08-06. Review status: criteria provided, single submitter. Criteria: Ambry Variant Classification Scheme 2023. Collection method: clinical testing. Allele origin: germline.
Comment: The p.I773V variant (also known as c.2317A>G), located in coding exon 14 of the DICER1 gene, results from an A to G substitution at nucleotide position 2317. The isoleucine at codon 773 is replaced by valine, an amino acid with highly similar properties. This amino acid position is conserved. In addition, this alteration is predicted to be tolerated by in silico analysis. Based on the available evidence, the clinical significance of this variant remains unclear.

Baylor Genetics
Classification: Uncertain significance for Global developmental delay - lung cysts - overgrowth - Wilms tumor syndrome. Last evaluated: 2024-02-13. Review status: criteria provided, single submitter. Criteria: ACMG Guidelines, 2015. Collection method: clinical testing. Allele origin: unknown.

PreventionGenetics, part of Exact Sciences
Classification: Uncertain significance. Last evaluated: 2016-03-24. Review status: criteria provided, single submitter. Criteria: ACMG Guidelines, 2015. Collection method: clinical testing. Allele origin: germline.

NM_177438.3(DICER1):c.2317A>G (p.Ile773Val)

Gene: DICER1 (dicer 1, ribonuclease III; minus strand). Cytogenetic location: 14q32.13.
Variant type: single nucleotide variant.
Coding change: c.2317A>G on transcript NM_177438.3 (MANE Select); coding-DNA position 2317, A replaced by G.
Protein change: p.Ile773Val; replaces isoleucine 773 with valine.
Molecular consequence: missense variant.
Genome position (GRCh38, 1-based): chr14:95,108,443, T>C on the plus strand (A>G on the coding strand, the complement: DICER1 is on the minus strand). VCF-style: chr14-95108443-T-C. GRCh37 (hg19) VCF-style: chr14-95574780-T-C.
Other names: c.2317A>G, p.Ile773Val (NM_001195573.1, NM_001271282.3, NM_001291628.2 and 1 more transcripts); c.2317A>G (NM_177438.2); short protein forms I773V.
Identifiers: ClinVar variation 690441 (VCV000690441.4), dbSNP rs1595382306, ClinGen allele CA390882308.